The following is an entry in ClinVar:

NM_001330078.2(NRXN1):c.4346T>C (p.Leu1449Pro)

Gene: NRXN1 (neurexin 1; minus strand). Cytogenetic location: 2p16.3.
Variant type: single nucleotide variant.
Coding change: c.4346T>C on transcript NM_001330078.2 (MANE Select); coding-DNA position 4346, T replaced by C.
Protein change: p.Leu1449Pro; replaces leucine 1449 with proline.
Molecular consequence: missense variant.
Genome position (GRCh38, 1-based): chr2:49,922,122, A>G on the plus strand (T>C on the coding strand, the complement: NRXN1 is on the minus strand). VCF-style: chr2-49922122-A-G. GRCh37 (hg19) VCF-style: chr2-50149260-A-G.
Other names: c.4319T>C, p.Leu1440Pro (NM_001330085.2); c.4337T>C, p.Leu1446Pro (NM_001330086.2); c.4145T>C, p.Leu1382Pro (NM_001330087.2); c.4166T>C, p.Leu1389Pro (NM_001330088.2); c.1232T>C, p.Leu411Pro (NM_001330091.2); c.1241T>C, p.Leu414Pro (NM_001330092.2); c.4343T>C, p.Leu1448Pro (NM_001330093.2); c.4325T>C, p.Leu1442Pro (NM_001330094.2); and 12 more; short protein forms L1379P, L1427P, L81P, L1382P, L1402P, L1440P, L1446P, L1448P.
Identifiers: ClinVar variation 4773211 (VCV004773211.1).
Genomic context (GRCh38, chr2:49,922,122, plus strand): 5'-CGACTCTCGTCCACATGGTATGAGCCTTCATCCCGGTTTCTGTACTTGTACATGGCATAG[A>G]GGAGGATAAGGATGCACAGGGCGGCAGCGGCTACTATCCCAACGACCATACCCGTGGTGC-3'
Protein context (NP_001317007.1, residues 1439-1459): AAAALCILIL[Leu1449Pro]YAMYKYRNRD

ClinVar aggregate classification (germline): Uncertain significance (1 of 4 stars; one submission).

Conditions:
Pitt-Hopkins-like syndrome 2 (PTHSL2). Identifiers: Orphanet 221150, Orphanet 600663, MedGen C3280479, MONDO:0013690, OMIM 614325.

Submission:

Labcorp Genetics (formerly Invitae), Labcorp
Classification: Uncertain significance for Pitt-Hopkins-like syndrome 2. Last evaluated: 2025-09-10. Review status: criteria provided, single submitter. Criteria: Invitae Variant Classification Sherloc (09022015). Collection method: clinical testing. Allele origin: germline.
Comment: This sequence change replaces leucine, which is neutral and non-polar, with proline, which is neutral and non-polar, at codon 1489 of the NRXN1 protein (p.Leu1489Pro). This variant is not present in population databases (gnomAD no frequency). This variant has not been reported in the literature in individuals affected with NRXN1-related conditions. Invitae Evidence Modeling of protein sequence and biophysical properties (such as structural, functional, and spatial information, amino acid conservation, physicochemical variation, residue mobility, and thermodynamic stability) indicates that this missense variant is expected to disrupt NRXN1 protein function with a positive predictive value of 80%. In summary, the available evidence is currently insufficient to determine the role of this variant in disease. Therefore, it has been classified as a Variant of Uncertain Significance.